The following is an entry in ClinVar:

ClinVar aggregate classification (germline): Uncertain significance (1 of 4 stars; one submission).

Submission:

GeneDx
Classification: Uncertain significance. Last evaluated: 2024-06-10. Review status: criteria provided, single submitter. Criteria: GeneDx Variant Classification Process June 2021. Collection method: clinical testing. Allele origin: germline. Affected: yes.
Comment: Not observed at significant frequency in large population cohorts (gnomAD); In silico analysis supports that this missense variant has a deleterious effect on protein structure/function; Has not been previously published as pathogenic or benign to our knowledge

NM_001348716.2(KDM6B):c.3914A>G (p.Glu1305Gly)

Genes: KDM6B (lysine demethylase 6B; plus strand), LOC121587574 (Sharpr-MPRA regulatory region 3930; plus strand). Cytogenetic location: 17p13.1.
Variant type: single nucleotide variant.
Coding change: c.3914A>G on transcript NM_001348716.2 (MANE Select); coding-DNA position 3914, A replaced by G.
Protein change: p.Glu1305Gly; replaces glutamic acid 1305 with glycine.
Molecular consequence: missense variant.
Genome position (GRCh38, 1-based): chr17:7,851,364, A>G. VCF-style: chr17-7851364-A-G. GRCh37 (hg19) VCF-style: chr17-7754682-A-G.
Other names: c.3914A>G, p.Glu1305Gly (NM_001080424.2); short protein forms E1305G.
Identifiers: ClinVar variation 3390424 (VCV003390424.1).